The following is an entry in ClinVar:

NM_001277307.2(MAGEB17):c.297CTC[1] (p.Ser101del)

Gene: MAGEB17 (MAGE family member B17; plus strand). Cytogenetic location: Xp22.2.
Variant type: Microsatellite.
Coding change: c.297CTC[1] on transcript NM_001277307.2 (MANE Select); one copy of the 3-base unit CTC starting at c.297; the reference has two copies in a row; one copy, 3 bases deleted.
Protein change: p.Ser101del; deletes serine 101.
Molecular consequence: inframe deletion.
Genome position (GRCh38, 1-based): chrX:16,170,682-16,170,684, CTC deleted; deleting any 3 consecutive bases within chrX:16,170,677-16,170,684 gives the same sequence; the position shown is the placement nearest the transcript's 3' end. VCF-style (leftmost placement, unchanged base first): chrX-16170676-GTCC-G. GRCh37 (hg19) VCF-style: chrX-16188799-GTCC-G.
Other names: short protein forms S101del.
Identifiers: ClinVar variation 2660064 (VCV002660064.24), dbSNP rs765679969, ClinGen allele CA10356679.
Genomic context (GRCh38, chrX:16,170,676, plus strand): 5'-AAGTTCTGATGAAGGTGCCAAGGGCCAAAAGGGGGAAAGTCCCAACTCCTTCCATGGCCC[GTCC>G]TCCTCTGAGAGCACAGGAAGAGATCTTCTGAACACGAAGACGGGCGAATTGGTGCAGTTC-3'

ClinVar aggregate classification (germline): Likely benign (1 of 4 stars; one submission).

Submission:

CeGaT Center for Human Genetics Tuebingen
Classification: Likely benign. Last evaluated: 2023-03-01. Review status: criteria provided, single submitter. Criteria: CeGaT Center For Human Genetics Tuebingen Variant Classification Criteria Version 2. Collection method: clinical testing. Allele origin: germline. Affected: yes. Observed: 1 variant allele.
Comment: MAGEB17: BS2